The following is an entry in ClinVar:

NM_001387430.1(SH2B1):c.838G>C (p.Gly280Arg)

Gene: SH2B1 (SH2B adaptor protein 1; plus strand). Cytogenetic location: 16p11.2.
Variant type: single nucleotide variant.
Coding change: c.838G>C on transcript NM_001387430.1 (MANE Select); coding-DNA position 838, G replaced by C.
Protein change: p.Gly280Arg; replaces glycine 280 with arginine.
Molecular consequence: missense variant. On other transcripts: intron variant (1).
Genome position (GRCh38, 1-based): chr16:28,866,932, G>C. VCF-style: chr16-28866932-G-C. GRCh37 (hg19) VCF-style: chr16-28878253-G-C.
Other names: c.838G>C, p.Gly280Arg (NM_001145795.2, NM_001145796.2, NM_001145797.2 and 4 more transcripts); c.-26-442G>C (NM_001308294.2); short protein forms G280R.
Identifiers: ClinVar variation 3346832 (VCV003346832.1).

ClinVar aggregate classification (germline): Uncertain significance (0 of 4 stars; one submission).

Conditions:
SH2B1-related disorder. Also called: SH2B1-related condition.

gnomAD v4.1: 6 of 1,610,508 alleles (0.00037%); highest among the groups gnomAD compares: African/African-American, 0.004%; no homozygotes.

Submission:

PreventionGenetics, part of Exact Sciences
Classification: Uncertain significance for SH2B1-related condition. Last evaluated: 2024-09-26. Review status: no assertion criteria provided. Collection method: clinical testing. Allele origin: germline.
Comment: The SH2B1 c.838G>C variant is predicted to result in the amino acid substitution p.Gly280Arg. To our knowledge, this variant has not been reported in the literature. This variant is reported in 0.00090% of alleles in individuals of European (Non-Finnish) descent in gnomAD. At this time, the clinical significance of this variant is uncertain due to the absence of conclusive functional and genetic evidence.